The following is an entry in ClinVar:

ClinVar aggregate classification (germline): Uncertain significance (1 of 4 stars; one submission).

Conditions:
Hyperekplexia 3 (HKPX3). Also called: HYPEREKPLEXIA 3, AUTOSOMAL RECESSIVE; HYPEREKPLEXIA 3, AUTOSOMAL DOMINANT. Identifiers: Orphanet 3197, MedGen C3553288, MONDO:0013827, OMIM 614618.

Allele frequency attached by ClinVar (database versions not stated): gnomAD 0.00001; gnomAD exomes 0.00002; TOPMed 0.00002; ExAC 0.00005.
gnomAD v4.1: 29 of 1,601,800 alleles (0.0018%); highest among the groups gnomAD compares: Admixed American, 0.0034%; no homozygotes.

Submission:

Labcorp Genetics (formerly Invitae), Labcorp
Classification: Uncertain significance for Hyperekplexia 3. Last evaluated: 2024-10-30. Review status: criteria provided, single submitter. Criteria: Invitae Variant Classification Sherloc (09022015). Collection method: clinical testing. Allele origin: germline.
Comment: This sequence change replaces serine, which is neutral and polar, with phenylalanine, which is neutral and non-polar, at codon 79 of the SLC6A5 protein (p.Ser79Phe). This variant is present in population databases (rs763412704, gnomAD 0.006%). This variant has not been reported in the literature in individuals affected with SLC6A5-related conditions. ClinVar contains an entry for this variant (Variation ID: 2080579). Invitae Evidence Modeling of protein sequence and biophysical properties (such as structural, functional, and spatial information, amino acid conservation, physicochemical variation, residue mobility, and thermodynamic stability) indicates that this missense variant is not expected to disrupt SLC6A5 protein function with a negative predictive value of 95%. In summary, the available evidence is currently insufficient to determine the role of this variant in disease. Therefore, it has been classified as a Variant of Uncertain Significance.

NM_004211.5(SLC6A5):c.236C>T (p.Ser79Phe)

Gene: SLC6A5 (solute carrier family 6 member 5; plus strand). Cytogenetic location: 11p15.1.
Variant type: single nucleotide variant.
Coding change: c.236C>T on transcript NM_004211.5 (MANE Select); coding-DNA position 236, C replaced by T.
Protein change: p.Ser79Phe; replaces serine 79 with phenylalanine.
Molecular consequence: missense variant. On other transcripts: 5 prime UTR variant (1).
Genome position (GRCh38, 1-based): chr11:20,601,361, C>T. VCF-style: chr11-20601361-C-T. GRCh37 (hg19) VCF-style: chr11-20622907-C-T.
Other names: c.-328C>T (NM_001318369.2); short protein forms S79F.
Identifiers: ClinVar variation 2080579 (VCV002080579.3), dbSNP rs763412704, ClinGen allele CA5921020.